The following is an entry in ClinVar:

NM_144643.4(SCLT1):c.1520G>T (p.Gly507Val)

Gene: SCLT1 (sodium channel and clathrin linker 1; minus strand). Cytogenetic location: 4q28.2.
Variant type: single nucleotide variant.
Coding change: c.1520G>T on transcript NM_144643.4 (MANE Select); coding-DNA position 1520, G replaced by T.
Protein change: p.Gly507Val; replaces glycine 507 with valine.
Molecular consequence: missense variant. On other transcripts: intron variant (1).
Genome position (GRCh38, 1-based): chr4:128,943,108, C>A on the plus strand (G>T on the coding strand, the complement: SCLT1 is on the minus strand). VCF-style: chr4-128943108-C-A. GRCh37 (hg19) VCF-style: chr4-129864263-C-A.
Other names: c.1439+2899G>T (NM_001410807.1); short protein forms G507V.
Identifiers: ClinVar variation 4987076 (VCV004987076.1).

ClinVar aggregate classification (germline): Uncertain significance (1 of 4 stars; one submission).

Conditions:
SCLT1-related disorder. Also called: SCLT1-related condition.

gnomAD v4.1: 5 of 1,612,462 alleles (0.00031%); highest among the groups gnomAD compares: Non-Finnish European, 0.00017%; no homozygotes.

Submission:

PreventionGenetics, part of Exact Sciences
Classification: Uncertain significance for SCLT1-related condition. Last evaluated: 2025-09-19. Review status: criteria provided, single submitter. Criteria: ACMG Guidelines, 2015. Collection method: clinical testing. Allele origin: germline.
Comment: The SCLT1 c.1520G>T variant is predicted to result in the amino acid substitution p.Gly507Val. To our knowledge, this variant has not been reported in the literature. This variant is reported in 0.0099% of alleles in individuals of Ashkenazi Jewish descent in gnomAD. At this time, the clinical significance of this variant is uncertain due to the absence of conclusive functional and genetic evidence.